The following is an entry in ClinVar:

NM_013275.6(ANKRD11):c.968T>A (p.Phe323Tyr)

Gene: ANKRD11 (ankyrin repeat domain 11; minus strand). Cytogenetic location: 16q24.3.
Variant type: single nucleotide variant.
Coding change: c.968T>A on transcript NM_013275.6 (MANE Select); coding-DNA position 968, T replaced by A.
Protein change: p.Phe323Tyr; replaces phenylalanine 323 with tyrosine.
Molecular consequence: missense variant.
Genome position (GRCh38, 1-based): chr16:89,285,574, A>T on the plus strand (T>A on the coding strand, the complement: ANKRD11 is on the minus strand). VCF-style: chr16-89285574-A-T. GRCh37 (hg19) VCF-style: chr16-89351982-A-T.
Other names: c.968T>A, p.Phe323Tyr (NM_001256182.2, NM_001256183.2); short protein forms F323Y.
Identifiers: ClinVar variation 4802810 (VCV004802810.1).

ClinVar aggregate classification (germline): Uncertain significance (1 of 4 stars; one submission).

Conditions:
KBG syndrome (KBGS). Also called: ANKRD11-Related KBG Syndrome. Identifiers: Orphanet 2332, MedGen C0220687, MONDO:0007846, OMIM 148050.

Submission:

Labcorp Genetics (formerly Invitae), Labcorp
Classification: Uncertain significance for KBG syndrome. Last evaluated: 2025-03-31. Review status: criteria provided, single submitter. Criteria: Invitae Variant Classification Sherloc (09022015). Collection method: clinical testing. Allele origin: germline.
Comment: This sequence change replaces phenylalanine, which is neutral and non-polar, with tyrosine, which is neutral and polar, at codon 323 of the ANKRD11 protein (p.Phe323Tyr). This variant is not present in population databases (gnomAD no frequency). This variant has not been reported in the literature in individuals affected with ANKRD11-related conditions. Invitae Evidence Modeling of protein sequence and biophysical properties (such as structural, functional, and spatial information, amino acid conservation, physicochemical variation, residue mobility, and thermodynamic stability) indicates that this missense variant is not expected to disrupt ANKRD11 protein function with a negative predictive value of 95%. In summary, the available evidence is currently insufficient to determine the role of this variant in disease. Therefore, it has been classified as a Variant of Uncertain Significance.